The following is an entry in ClinVar:

ClinVar aggregate classification (germline): Uncertain significance (1 of 4 stars; one submission).

Conditions:
Autosomal recessive spastic paraplegia type 78. Identifiers: Orphanet 513436, MedGen C5567893, MONDO:0014975, OMIM 617225.
Kufor-Rakeb syndrome (KRS). Also called: PARKINSON DISEASE 9, AUTOSOMAL RECESSIVE, JUVENILE-ONSET. Identifiers: Orphanet 306674, Orphanet 314632, MedGen C1847640, MONDO:0011706, OMIM 606693.

Allele frequency attached by ClinVar (database versions not stated): gnomAD exomes below 0.00001; ExAC 0.00001.
gnomAD v4.1: 1 of 1,613,986 alleles (0.000062%); highest among the groups gnomAD compares: Non-Finnish European, 0.000085%; no homozygotes.

Submission:

Labcorp Genetics (formerly Invitae), Labcorp
Classification: Uncertain significance for Kufor-Rakeb syndrome; Autosomal recessive spastic paraplegia type 78. Last evaluated: 2017-07-31. Review status: criteria provided, single submitter. Criteria: Invitae Variant Classification Sherloc (09022015). Collection method: clinical testing. Allele origin: germline.
Comment: In summary, the available evidence is currently insufficient to determine the role of this variant in disease. Therefore, it has been classified as a Variant of Uncertain Significance. Algorithms developed to predict the effect of missense changes on protein structure and function do not agree on the potential impact of this missense change (SIFT: "Tolerated"; PolyPhen-2: "Probably Damaging"; Align-GVGD: "Class C0"). This variant has not been reported in the literature in individuals with ATP13A2-related disease. This variant is present in population databases (rs762075619, ExAC 0.002%). This sequence change replaces glycine with serine at codon 170 of the ATP13A2 protein (p.Gly170Ser). The glycine residue is moderately conserved and there is a small physicochemical difference between glycine and serine.

NM_022089.4(ATP13A2):c.508G>A (p.Gly170Ser)

Gene: ATP13A2 (ATPase cation transporting 13A2; minus strand). Cytogenetic location: 1p36.13.
Variant type: single nucleotide variant.
Coding change: c.508G>A on transcript NM_022089.4 (MANE Select); coding-DNA position 508, G replaced by A.
Protein change: p.Gly170Ser; replaces glycine 170 with serine.
Molecular consequence: missense variant.
Genome position (GRCh38, 1-based): chr1:17,004,381, C>T on the plus strand (G>A on the coding strand, the complement: ATP13A2 is on the minus strand). VCF-style: chr1-17004381-C-T. GRCh37 (hg19) VCF-style: chr1-17330876-C-T.
Other names: c.493G>A, p.Gly165Ser (NM_001141973.3, NM_001141974.3); short protein forms G170S, G165S.
Identifiers: ClinVar variation 465264 (VCV000465264.5), dbSNP rs762075619, ClinGen allele CA637609.
Genomic context (GRCh38, chr1:17,004,381, plus strand): 5'-CTGACTCCTACCTGACCTGGTAGAAGGCTTGCTGGGTCTCGATCCAGATATAGCGCTGGC[C>T]CTGGAAGAGGTAATACCGCAGCACCCGCTTCTGGGTGGGAGAGAGGAGAGGATGGGTTGG-3'
Protein context (NP_071372.1, residues 160-180): KRVLRYYLFQ[Gly170Ser]QRYIWIETQQ